The following is an entry in ClinVar:

ClinVar aggregate classification (germline): Uncertain significance (1 of 4 stars; one submission).

Conditions:
Hereditary diffuse gastric adenocarcinoma (HDGC). Also called: DIFFUSE GASTRIC AND LOBULAR BREAST CANCER SYNDROME. Identifiers: Orphanet 26106, MedGen C1708349, MONDO:0007648, OMIM 137215.

Allele frequency attached by ClinVar (database versions not stated): gnomAD exomes below 0.00001.
gnomAD v4.1: 1 of 1,614,158 alleles (0.000062%); highest among the groups gnomAD compares: Non-Finnish European, 0.000085%; no homozygotes.

Submission:

Labcorp Genetics (formerly Invitae), Labcorp
Classification: Uncertain significance for Hereditary diffuse gastric adenocarcinoma. Last evaluated: 2024-03-27. Review status: criteria provided, single submitter. Criteria: Invitae Variant Classification Sherloc (09022015). Collection method: clinical testing. Allele origin: germline.
Comment: This sequence change replaces asparagine, which is neutral and polar, with serine, which is neutral and polar, at codon 606 of the CDH1 protein (p.Asn606Ser). This variant is not present in population databases (gnomAD no frequency). This variant has not been reported in the literature in individuals affected with CDH1-related conditions. ClinVar contains an entry for this variant (Variation ID: 1001574). An algorithm developed to predict the effect of missense changes on protein structure and function (PolyPhen-2) suggests that this variant is likely to be tolerated. In summary, the available evidence is currently insufficient to determine the role of this variant in disease. Therefore, it has been classified as a Variant of Uncertain Significance.

NM_004360.5(CDH1):c.1817A>G (p.Asn606Ser)

Gene: CDH1 (cadherin 1; plus strand). Cytogenetic location: 16q22.1.
Variant type: single nucleotide variant.
Coding change: c.1817A>G on transcript NM_004360.5 (MANE Select); coding-DNA position 1817, A replaced by G.
Protein change: p.Asn606Ser; replaces asparagine 606 with serine.
Molecular consequence: missense variant. On other transcripts: 5 prime UTR variant (1).
Genome position (GRCh38, 1-based): chr16:68,822,106, A>G. VCF-style: chr16-68822106-A-G. GRCh37 (hg19) VCF-style: chr16-68856009-A-G.
Other names: c.1634A>G, p.Asn545Ser (NM_001317184.2); c.269A>G, p.Asn90Ser (NM_001317185.2); c.-149A>G (NM_001317186.2); short protein forms N545S, N606S, N90S.
Identifiers: ClinVar variation 1001574 (VCV001001574.9), dbSNP rs1961162483, ClinGen allele CA396466817.